The following is an entry in ClinVar:

NM_000492.4(CFTR):c.2774C>A (p.Thr925Asn)

Gene: CFTR (CF transmembrane conductance regulator; plus strand). Cytogenetic location: 7q31.2.
Variant type: single nucleotide variant.
Coding change: c.2774C>A on transcript NM_000492.4 (MANE Select); coding-DNA position 2774, C replaced by A.
Protein change: p.Thr925Asn; replaces threonine 925 with asparagine.
Molecular consequence: missense variant.
Genome position (GRCh38, 1-based): chr7:117,603,648, C>A. VCF-style: chr7-117603648-C-A. GRCh37 (hg19) VCF-style: chr7-117243702-C-A.
Other names: short protein forms T925N.
Identifiers: ClinVar variation 1795832 (VCV001795832.3), dbSNP rs376827439, ClinGen allele CA368986752.

ClinVar aggregate classification (germline): Uncertain significance (1 of 4 stars; one submission).

Conditions:
Cystic fibrosis (CF). Also called: MUCOVISCIDOSIS. Identifiers: Orphanet 586, MedGen C0010674, MONDO:0009061, OMIM 219700. Disease mechanism: loss of function.

gnomAD v4.1: 2 of 1,614,072 alleles (0.00012%); highest among the groups gnomAD compares: Non-Finnish European, 0.00017%; no homozygotes.

Submission:

Ambry Genetics
Classification: Uncertain significance for Cystic fibrosis. Last evaluated: 2025-06-06. Review status: criteria provided, single submitter. Criteria: Ambry Variant Classification Scheme 2023. Collection method: clinical testing. Allele origin: germline.
Comment: The p.T925N variant (also known as c.2774C>A), located in coding exon 17 of the CFTR gene, results from a C to A substitution at nucleotide position 2774. The threonine at codon 925 is replaced by asparagine, an amino acid with similar properties. This amino acid position is conserved. In addition, the in silico prediction for this alteration is inconclusive. Since supporting evidence is limited at this time, the clinical significance of this alteration remains unclear.